The following is an entry in ClinVar:

ClinVar aggregate classification (germline): Conflicting classifications of pathogenicity. Review status: criteria provided, conflicting classifications (1 of 4 stars). 5 submissions from 5 submitters: Uncertain significance (4); Likely benign (1). Last evaluated 2026-01-06.

Allele frequency attached by ClinVar (database versions not stated): gnomAD 0.00006; TOPMed 0.00006; ExAC 0.00007; 1000 Genomes Project 0.00020; ESP Exome Variant Server 0.00025; 1000 Genomes Project 30x 0.00031.
gnomAD v4.1: 109 of 1,613,738 alleles (0.0068%); highest among the groups gnomAD compares: Middle Eastern, 0.033%; no homozygotes.

Submissions (5):

GeneDx
Classification: Uncertain significance. Last evaluated: 2026-01-06. Review status: criteria provided, single submitter. Criteria: GeneDx Variant Classification Process June 2021. Collection method: clinical testing. Allele origin: germline. Affected: yes.
Comment: In silico analysis supports that this missense variant has a deleterious effect on protein structure/function; Has not been previously published as pathogenic or benign to our knowledge

Labcorp Genetics (formerly Invitae), Labcorp
Classification: Likely benign. Last evaluated: 2025-05-30. Review status: criteria provided, single submitter. Criteria: Invitae Variant Classification Sherloc (09022015). Collection method: clinical testing. Allele origin: germline.

Women's Health and Genetics/Laboratory Corporation of America, LabCorp
Classification: Uncertain significance. Last evaluated: 2024-06-13. Review status: criteria provided, single submitter. Criteria: LabCorp Variant Classification Summary - May 2015. Collection method: clinical testing. Allele origin: germline.
Comment: Variant summary: ADGRV1 c.13772C>T (p.Thr4591Ile) results in a non-conservative amino acid change located in the Na-Ca exchanger/integrin-beta4 (IPR003644) of the encoded protein sequence. Three of five in-silico tools predict a benign effect of the variant on protein function. The variant allele was found at a frequency of 4.8e-05 in 248824 control chromosomes. This frequency is not significantly higher than estimated for a pathogenic variant in ADGRV1 causing ADGRV1-Related Disorders, allowing no conclusion about variant significance. To our knowledge, no occurrence of c.13772C>T in individuals affected with ADGRV1-Related Disorders and no experimental evidence demonstrating its impact on protein function have been reported. ClinVar contains an entry for this variant (Variation ID: 866190). Based on the evidence outlined above, the variant was classified as uncertain significance.

Blueprint Genetics
Classification: Uncertain significance. Last evaluated: 2023-04-11. Review status: criteria provided, single submitter. Criteria: ACMG Guidelines, 2015. Collection method: clinical testing. Allele origin: germline.

Laboratory for Molecular Medicine, Mass General Brigham Personalized Medicine
Classification: Uncertain significance. Last evaluated: 2019-05-21. Review status: criteria provided, single submitter. Criteria: LMM Criteria. Collection method: clinical testing. Allele origin: germline. Observed: 1 variant allele.
Comment: The p.Thr4591Ile variant in ADGRV1 has not been previously reported in individuals with hearing loss but has been identified in 0.01% (13/128070) of European chromosomes by gnomAD. Computational prediction tools and conservation analysis do not provide strong support for or against an impact to the protein. In summary, the clinical significance of this variant is uncertain. ACMG/AMP Criteria applied: PM2_Supporting.

NM_032119.4(ADGRV1):c.13772C>T (p.Thr4591Ile)

Gene: ADGRV1 (adhesion G protein-coupled receptor V1; plus strand). Cytogenetic location: 5q14.3.
Variant type: single nucleotide variant.
Coding change: c.13772C>T on transcript NM_032119.4 (MANE Select); coding-DNA position 13772, C replaced by T.
Protein change: p.Thr4591Ile; replaces threonine 4591 with isoleucine.
Molecular consequence: missense variant. On other transcripts: non-coding transcript variant (1).
Genome position (GRCh38, 1-based): chr5:90,788,189, C>T. VCF-style: chr5-90788189-C-T. GRCh37 (hg19) VCF-style: chr5-90084006-C-T.
Other names: short protein forms T4591I.
Identifiers: ClinVar variation 866190 (VCV000866190.18), dbSNP rs369108080, ClinGen allele CA3341609.